The following is an entry in ClinVar:

ClinVar aggregate classification (germline): Likely benign. Review status: criteria provided, single submitter (1 of 4 stars). 2 submissions from 2 submitters: Likely benign (1). 1 of the submissions does not count toward it. Last evaluated 2025-01-27.

Allele frequency attached by ClinVar (database versions not stated): ExAC 0.00001; gnomAD exomes 0.00003 and 0.00004; gnomAD 0.00006 and 0.00007; ESP Exome Variant Server 0.00008; TOPMed 0.00009.
gnomAD v4.1: 73 of 1,613,908 alleles (0.0045%); highest among the groups gnomAD compares: Non-Finnish European, 0.0058%; no homozygotes.

Submissions (2):

Labcorp Genetics (formerly Invitae), Labcorp
Classification: Likely benign. Last evaluated: 2025-01-27. Review status: criteria provided, single submitter. Criteria: Invitae Variant Classification Sherloc (09022015). Collection method: clinical testing. Allele origin: germline.

Martin Pollak Laboratory,  Beth Israel Deaconess Medical Center
Classification: Uncertain significance. Review status: no assertion criteria provided. Collection method: not provided. Allele origin: unknown. Not counted in ClinVar's aggregate classification.
Comment: Lower UCa2+ group
ClinVar note: Converted during submission from unknown to Uncertain significance.

NM_000342.4(SLC4A1):c.2694G>A (p.Glu898=)

Gene: SLC4A1 (solute carrier family 4 member 1 (Diego blood group); minus strand). Cytogenetic location: 17q21.31.
Variant type: single nucleotide variant.
Coding change: c.2694G>A on transcript NM_000342.4 (MANE Select); coding-DNA position 2694, G replaced by A.
Protein change: p.Glu898=; no amino-acid change (glutamic acid 898 retained).
Molecular consequence: synonymous variant.
Genome position (GRCh38, 1-based): chr17:44,250,500, C>T on the plus strand (G>A on the coding strand, the complement: SLC4A1 is on the minus strand). VCF-style: chr17-44250500-C-T. GRCh37 (hg19) VCF-style: chr17-42327868-C-T.
Identifiers: ClinVar variation 64422 (VCV000064422.5), dbSNP rs373388521, ClinGen allele CA216106.